The following is an entry in ClinVar:

NM_144596.4(TTC8):c.147A>C (p.Ala49=)

Gene: TTC8 (tetratricopeptide repeat domain 8; plus strand). Cytogenetic location: 14q31.3.
Variant type: single nucleotide variant.
Coding change: c.147A>C on transcript NM_144596.4 (MANE Select); coding-DNA position 147, A replaced by C.
Protein change: p.Ala49=; no amino-acid change (alanine 49 retained).
Molecular consequence: synonymous variant. On other transcripts: 5 prime UTR variant (2), non-coding transcript variant (1).
Genome position (GRCh38, 1-based): chr14:88,839,454, A>C. VCF-style: chr14-88839454-A-C. GRCh37 (hg19) VCF-style: chr14-89305798-A-C.
Other names: c.117A>C, p.Ala39= (NM_001288781.1, NM_001366535.2, NM_001366536.2 and 2 more transcripts); c.-446A>C (NM_001288782.1); c.-541A>C (NM_001288783.1).
Identifiers: ClinVar variation 4987425 (VCV004987425.1).

ClinVar aggregate classification (germline): Likely benign (1 of 4 stars; one submission).

Conditions:
TTC8-related disorder. Also called: TTC8-related condition.

gnomAD v4.1: 32 of 1,612,834 alleles (0.002%); highest among the groups gnomAD compares: Non-Finnish European, 0.0026%; no homozygotes.

Submission:

PreventionGenetics, part of Exact Sciences
Classification: Likely benign for TTC8-related condition. Last evaluated: 2025-03-27. Review status: criteria provided, single submitter. Criteria: ACMG Guidelines, 2015. Collection method: clinical testing. Allele origin: germline.
Comment: This variant is classified as likely benign based on ACMG/AMP sequence variant interpretation guidelines (Richards et al. 2015 PMID: 25741868, with internal and published modifications).